The following is an entry in ClinVar:

NM_000489.6(ATRX):c.4004G>T (p.Arg1335Ile)

Gene: ATRX (ATRX chromatin remodeler; minus strand). Cytogenetic location: Xq21.1.
Variant type: single nucleotide variant.
Coding change: c.4004G>T on transcript NM_000489.6 (MANE Select); coding-DNA position 4004, G replaced by T.
Protein change: p.Arg1335Ile; replaces arginine 1335 with isoleucine.
Molecular consequence: missense variant.
Genome position (GRCh38, 1-based): chrX:77,663,498, C>A on the plus strand (G>T on the coding strand, the complement: ATRX is on the minus strand). VCF-style: chrX-77663498-C-A. GRCh37 (hg19) VCF-style: chrX-76918987-C-A.
Other names: c.4004G>T (NM_000489.3); c.3890G>T, p.Arg1297Ile (NM_138270.5); short protein forms R1335I, R1297I.
Identifiers: ClinVar variation 571718 (VCV000571718.12), dbSNP rs1569536694, ClinGen allele CA413699660.

ClinVar aggregate classification (germline): Conflicting classifications of pathogenicity. Review status: criteria provided, conflicting classifications (1 of 4 stars). 3 submissions from 3 submitters: Uncertain significance (2); Benign (1). Last evaluated 2023-04-07.

Conditions:
Intellectual disability-hypotonic facies syndrome, X-linked, 1 (MRXHF1). Also called: X-linked intellectual disability-hypotonic face syndrome; HOLMES-GANG SYNDROME; Smith Fineman Myers syndrome 1; XLMR-HYPOTONIC FACIES SYNDROME; CHUDLEY-LOWRY SYNDROME; Chudley syndrome 1. Identifiers: Orphanet 73220, Orphanet 93970, Orphanet 93971, Orphanet 93972, Orphanet 93973, Orphanet 93974, Orphanet 93975, MedGen C4759781, MONDO:0010663, OMIM 309580.
Acquired hemoglobin H disease (ATMDS). Also called: Alpha-thalassemia myelodysplasia syndrome, somatic; Alpha-thalassemia-myelodysplastic syndrome; Alpha-thalassemia myelodysplasia syndrome. Identifiers: Orphanet 231401, MedGen C0585216, MONDO:0010328, OMIM 300448.
Alpha thalassemia-X-linked intellectual disability syndrome (ATRX). Also called: ALPHA-THALASSEMIA/MENTAL RETARDATION SYNDROME, X-LINKED; ATR, NONDELETION TYPE; ALPHA-THALASSEMIA/IMPAIRED INTELLECTUAL DEVELOPMENT SYNDROME, X-LINKED; X-linked alpha-thalassemia-mental retardation syndrome; ATR-X syndrome; Alpha thalassemia mental retardation syndrome, nondeletion type, X-linked. Identifiers: Orphanet 847, MedGen C1845055, MONDO:0010519, OMIM 301040.

Submissions (3):

GeneDx
Classification: Uncertain significance. Last evaluated: 2023-04-07. Review status: criteria provided, single submitter. Criteria: GeneDx Variant Classification Process June 2021. Collection method: clinical testing. Allele origin: germline. Affected: yes.
Comment: Not observed at significant frequency in large population cohorts (gnomAD); In silico analysis supports that this missense variant has a deleterious effect on protein structure/function; Has not been previously published as pathogenic or benign to our knowledge

Labcorp Genetics (formerly Invitae), Labcorp
Classification: Benign for Alpha thalassemia-X-linked intellectual disability syndrome. Last evaluated: 2022-11-15. Review status: criteria provided, single submitter. Criteria: Invitae Variant Classification Sherloc (09022015). Collection method: clinical testing. Allele origin: germline.

Fulgent Genetics
Classification: Uncertain significance for Acquired hemoglobin H disease; Alpha thalassemia-X-linked intellectual disability syndrome; Intellectual disability-hypotonic facies syndrome, X-linked, 1. Last evaluated: 2021-11-30. Review status: criteria provided, single submitter. Criteria: ACMG Guidelines, 2015. Collection method: clinical testing. Allele origin: unknown.